The following is an entry in ClinVar:

NM_001972.4(ELANE):c.235G>C (p.Ala79Pro)

Gene: ELANE (elastase, neutrophil expressed; plus strand). Cytogenetic location: 19p13.3.
Variant type: single nucleotide variant.
Coding change: c.235G>C on transcript NM_001972.4 (MANE Select); coding-DNA position 235, G replaced by C.
Protein change: p.Ala79Pro; replaces alanine 79 with proline.
Molecular consequence: missense variant.
Genome position (GRCh38, 1-based): chr19:853,272, G>C. VCF-style: chr19-853272-G-C. GRCh37 (hg19) VCF-style: chr19-853272-G-C.
Other names: c.235G>C (LRG_57t1); short protein forms A79P.
Identifiers: ClinVar variation 535844 (VCV000535844.11), dbSNP rs769123461, ClinGen allele CA402915130.
Genomic context (GRCh38, chr19:853,272, plus strand): 5'-GCCCCGACCCCCGGGGCCGCCCCTGAGCCCCGCCTCTCCCTCCCCGGCAGAAACGTCCGC[G>C]CGGTGCGGGTGGTCCTGGGAGCCCATAACCTCTCGCGGCGGGAGCCCACCCGGCAGGTGT-3'
Protein context (NP_001963.1, residues 69-89): AHCVANVNVR[Ala79Pro]VRVVLGAHNL

ClinVar aggregate classification (germline): Uncertain significance (1 of 4 stars; one submission).

Conditions:
Neutropenia, severe congenital, 1, autosomal dominant. Identifiers: MedGen C1859966, MONDO:0042490, OMIM 202700.
Cyclical neutropenia. Also called: Cyclic hematopoiesis; Cyclic Neutropenia. Identifiers: Orphanet 2686, MedGen C0221023, MONDO:0008090, OMIM 162800, HP:0040289. Disease mechanism: loss of function.

Submission:

Labcorp Genetics (formerly Invitae), Labcorp
Classification: Uncertain significance for Neutropenia, severe congenital, 1, autosomal dominant; Cyclical neutropenia. Last evaluated: 2017-11-16. Review status: criteria provided, single submitter. Criteria: Invitae Variant Classification Sherloc (09022015). Collection method: clinical testing. Allele origin: germline.
Comment: Algorithms developed to predict the effect of missense changes on protein structure and function (SIFT, PolyPhen-2, Align-GVGD) all suggest that this variant is likely to be tolerated, but these predictions have not been confirmed by published functional studies and their clinical significance is uncertain. This sequence change replaces alanine with proline at codon 79 of the ELANE protein (p.Ala79Pro). The alanine residue is weakly conserved and there is a small physicochemical difference between alanine and proline. This variant is not present in population databases (ExAC no frequency). This variant has not been reported in the literature in individuals with ELANE-related disease. In summary, the available evidence is currently insufficient to determine the role of this variant in disease. Therefore, it has been classified as a Variant of Uncertain Significance.